The following is an entry in ClinVar:

NM_014629.4(ARHGEF10):c.3686G>A (p.Gly1229Asp)

Gene: ARHGEF10 (Rho guanine nucleotide exchange factor 10; plus strand). Cytogenetic location: 8p23.3.
Variant type: single nucleotide variant.
Coding change: c.3686G>A on transcript NM_014629.4 (MANE Select); coding-DNA position 3686, G replaced by A.
Protein change: p.Gly1229Asp; replaces glycine 1229 with aspartic acid.
Molecular consequence: missense variant.
Genome position (GRCh38, 1-based): chr8:1,956,914, G>A. VCF-style: chr8-1956914-G-A. GRCh37 (hg19) VCF-style: chr8-1905080-G-A.
Other names: c.3572G>A, p.Gly1191Asp (NM_001308152.2); c.3686G>A, p.Gly1229Asp (NM_001308153.3); c.3689G>A, p.Gly1230Asp (NM_001438091.1); c.3569G>A, p.Gly1190Asp (NM_001438092.1, NM_001438093.1); c.3449G>A, p.Gly1150Asp (NM_001438094.1); short protein forms G1190D, G1191D, G1253D, G1150D, G1229D, G1230D.
Identifiers: ClinVar variation 4743335 (VCV004743335.1).

ClinVar aggregate classification (germline): Uncertain significance (1 of 4 stars; one submission).

gnomAD v4.1: 8 of 1,614,138 alleles (0.0005%); highest among the groups gnomAD compares: Non-Finnish European, 0.00068%; no homozygotes.

Submission:

Labcorp Genetics (formerly Invitae), Labcorp
Classification: Uncertain significance. Last evaluated: 2025-11-12. Review status: criteria provided, single submitter. Criteria: Invitae Variant Classification Sherloc (09022015). Collection method: clinical testing. Allele origin: germline.
Comment: This sequence change replaces glycine, which is neutral and non-polar, with aspartic acid, which is acidic and polar, at codon 1229 of the ARHGEF10 protein (p.Gly1229Asp). This variant is not present in population databases (gnomAD no frequency). This variant has not been reported in the literature in individuals affected with ARHGEF10-related conditions. Invitae Evidence Modeling of protein sequence and biophysical properties (such as structural, functional, and spatial information, amino acid conservation, physicochemical variation, residue mobility, and thermodynamic stability) indicates that this missense variant is not expected to disrupt ARHGEF10 protein function with a negative predictive value of 80%. In summary, the available evidence is currently insufficient to determine the role of this variant in disease. Therefore, it has been classified as a Variant of Uncertain Significance.